The following is an entry in ClinVar:

ClinVar aggregate classification (germline): Conflicting classifications of pathogenicity. Review status: criteria provided, conflicting classifications (1 of 4 stars). 4 submissions from 4 submitters: Uncertain significance (3); Likely benign (1). Last evaluated 2023-04-24.

Conditions:
Hereditary breast ovarian cancer syndrome. Also called: BRCA1- and BRCA2-Associated Hereditary Breast and Ovarian Cancer; Hereditary breast and/or ovarian cancer syndrome; Hereditary breast and ovarian cancer syndrome; Hereditary breast and ovarian cancer; Hereditary breast and ovarian cancer syndrome (HBOC); Breast and ovarian cancer. Identifiers: Orphanet 145, MedGen C0677776, MeSH D061325, MONDO:0003582. Disease mechanism: loss of function.
Hereditary cancer-predisposing syndrome. Also called: Hereditary neoplastic syndrome; Neoplastic Syndromes, Hereditary; Tumor predisposition; Hereditary Cancer Syndrome. Identifiers: Orphanet 140162, MedGen C0027672, MeSH D009386, MONDO:0015356.

Allele frequency attached by ClinVar (database versions not stated): gnomAD exomes 0.00001; ExAC 0.00002.
gnomAD v4.1: 3 of 1,594,492 alleles (0.00019%); highest among the groups gnomAD compares: Non-Finnish European, 0.00026%; no homozygotes.

Submissions (4):

Labcorp Genetics (formerly Invitae), Labcorp
Classification: Uncertain significance for Hereditary breast ovarian cancer syndrome. Last evaluated: 2023-04-24. Review status: criteria provided, single submitter. Criteria: Invitae Variant Classification Sherloc (09022015). Collection method: clinical testing. Allele origin: germline.
Comment: Advanced modeling of protein sequence and biophysical properties (such as structural, functional, and spatial information, amino acid conservation, physicochemical variation, residue mobility, and thermodynamic stability) performed at Invitae indicates that this missense variant is not expected to disrupt BRCA2 protein function. ClinVar contains an entry for this variant (Variation ID: 422170). This variant has not been reported in the literature in individuals affected with BRCA2-related conditions. This variant is present in population databases (rs755967190, gnomAD 0.002%). This sequence change replaces glutamic acid, which is acidic and polar, with lysine, which is basic and polar, at codon 2144 of the BRCA2 protein (p.Glu2144Lys). In summary, the available evidence is currently insufficient to determine the role of this variant in disease. Therefore, it has been classified as a Variant of Uncertain Significance.

Ambry Genetics
Classification: Uncertain significance for Hereditary cancer-predisposing syndrome. Last evaluated: 2023-04-07. Review status: criteria provided, single submitter. Criteria: Ambry Variant Classification Scheme 2023. Collection method: clinical testing. Allele origin: germline.
Comment: The p.E2144K variant (also known as c.6430G>A), located in coding exon 10 of the BRCA2 gene, results from a G to A substitution at nucleotide position 6430. The glutamic acid at codon 2144 is replaced by lysine, an amino acid with similar properties. This amino acid position is conserved. In addition, the in silico prediction for this alteration is inconclusive. Since supporting evidence is limited at this time, the clinical significance of this alteration remains unclear.

University of Washington Department of Laboratory Medicine, University of Washington
Classification: Likely benign for Hereditary cancer-predisposing syndrome. Last evaluated: 2023-03-23. Review status: criteria provided, single submitter. Criteria: Dines et al. (Genet Med. 2020). Collection method: curation. Allele origin: germline.
Comment: Missense variant in a coldspot region where missense variants are very unlikely to be pathogenic (PMID:31911673).

BRCA2 exon 11 coldspot. Reclassification based on statistical prior probability.

GeneDx
Classification: Uncertain significance. Last evaluated: 2016-09-02. Review status: criteria provided, single submitter. Criteria: GeneDx Variant Classification (06012015). Collection method: clinical testing. Allele origin: germline. Affected: yes.
Comment: This variant is denoted BRCA2 c.6430G>A at the cDNA level, p.Glu2144Lys (E2144K) at the protein level, and results in the change of a Glutamic Acid to a Lysine (GAA>AAA). Using alternate nomenclature, this variant would be defined as BRCA2 6658G>A. This variant has not, to our knowledge, been published in the literature as pathogenic or benign. BRCA2 Glu2144Lys was not observed in approximately 6,500 individuals of European and African American ancestry in the NHLBI Exome Sequencing Project, suggesting it is not a common benign variant in these populations. Since Glutamic Acid and Lysine differ in polarity, charge, size or other properties, this is considered a non-conservative amino acid substitution. BRCA2 Glu2144Lys occurs at a position that is not conserved and is not located in a known functional domain. In silico analyses are inconsistent regarding the effect this variant may have on protein structure and function. Based on currently available evidence, it is unclear whether BRCA2 Glu2144Lys is a pathogenic or benign variant. We consider it to be a variant of uncertain significance.

NM_000059.4(BRCA2):c.6430G>A (p.Glu2144Lys)

Gene: BRCA2 (BRCA2 DNA repair associated; plus strand). Cytogenetic location: 13q13.1.
Variant type: single nucleotide variant.
Coding change: c.6430G>A on transcript NM_000059.4 (MANE Select); coding-DNA position 6430, G replaced by A.
Protein change: p.Glu2144Lys; replaces glutamic acid 2144 with lysine.
Molecular consequence: missense variant.
Genome position (GRCh38, 1-based): chr13:32,340,785, G>A. VCF-style: chr13-32340785-G-A. GRCh37 (hg19) VCF-style: chr13-32914922-G-A.
Other names: short protein forms E2144K.
Identifiers: ClinVar variation 422170 (VCV000422170.15), dbSNP rs755967190, ClinGen allele CA6940953.